The following is an entry in ClinVar:

ClinVar aggregate classification (germline): Uncertain significance (1 of 4 stars; one submission).

Conditions:
Inborn genetic diseases. Identifiers: MedGen C0950123, MeSH D030342.

Submission:

Ambry Genetics
Classification: Uncertain significance for Inborn genetic diseases. Last evaluated: 2025-10-17. Review status: criteria provided, single submitter. Criteria: Ambry Variant Classification Scheme 2023. Collection method: clinical testing. Allele origin: germline.
Comment: The p.P597R variant (also known as c.1790C>G), located in coding exon 20 of the FANCA gene, results from a C to G substitution at nucleotide position 1790. The proline at codon 597 is replaced by arginine, an amino acid with dissimilar properties. This amino acid position is conserved. In addition, this alteration is predicted to be deleterious by in silico analysis. Based on the available evidence, the clinical significance of this variant remains unclear.

NM_000135.4(FANCA):c.1790C>G (p.Pro597Arg)

Gene: FANCA (FA complementation group A; minus strand). Cytogenetic location: 16q24.3.
Variant type: single nucleotide variant.
Coding change: c.1790C>G on transcript NM_000135.4 (MANE Select); coding-DNA position 1790, C replaced by G.
Protein change: p.Pro597Arg; replaces proline 597 with arginine.
Molecular consequence: missense variant.
Genome position (GRCh38, 1-based): chr16:89,778,837, G>C on the plus strand (C>G on the coding strand, the complement: FANCA is on the minus strand). VCF-style: chr16-89778837-G-C. GRCh37 (hg19) VCF-style: chr16-89845245-G-C.
Other names: c.1790C>G, p.Pro597Arg (NM_001286167.3); short protein forms P597R.
Identifiers: ClinVar variation 4619210 (VCV004619210.1).
Genomic context (GRCh38, chr16:89,778,837, plus strand): 5'-CCCCTTCTAACCGTTGCTGCATACCTCTTCAGAGACTCTATAAACGCCACACGGGAGTCA[G>C]GGACTTTGGGGAGCTGTGGGAAGAGAAGAGACCTGTGAGAGACTGACAAGGAAAGTCCTT-3'
Protein context (NP_000126.2, residues 587-607): LLTPRVLPKV[Pro597Arg]DSRVAFIESL